The following is an entry in ClinVar:

ClinVar aggregate classification (germline): Conflicting classifications of pathogenicity. Review status: criteria provided, conflicting classifications (1 of 4 stars). 5 submissions from 5 submitters: Likely pathogenic (3); Uncertain significance (2). Last evaluated 2026-09-02.

Conditions:
Inborn genetic diseases. Identifiers: MedGen C0950123, MeSH D030342.
Familial hypokalemia-hypomagnesemia (GTLMNS). Also called: HYPOMAGNESEMIA-HYPOKALEMIA, PRIMARY RENOTUBULAR, WITH HYPOCALCIURIA; POTASSIUM AND MAGNESIUM DEPLETION; gitelman syndrome. Identifiers: Orphanet 358, MedGen C0268450, MONDO:0009904, OMIM 263800.

Allele frequency attached by ClinVar (database versions not stated): TOPMed 0.00002; gnomAD 0.00003; gnomAD exomes 0.00003; ExAC 0.00007; ESP Exome Variant Server 0.00008.
gnomAD v4.1: 20 of 1,613,958 alleles (0.0012%); highest among the groups gnomAD compares: Admixed American, 0.005%; no homozygotes.

Submissions (5):

Clinical Genetics Laboratory, Skane University Hospital Lund
Classification: Likely pathogenic for Familial hypokalemia-hypomagnesemia. Last evaluated: 2026-09-02. Review status: criteria provided, single submitter. Criteria: ACMG Guidelines, 2015. Collection method: clinical testing. Allele origin: germline. Inheritance: Autosomal recessive inheritance. Affected: yes.
Comment: ACMG criteria used: PM2, PM3, PP1, PP4_Strong.

CeGaT Center for Human Genetics Tuebingen
Classification: Likely pathogenic. Last evaluated: 2026-03-01. Review status: criteria provided, single submitter. Criteria: CeGaT Center For Human Genetics Tuebingen Variant Classification Criteria Version 2. Collection method: clinical testing. Allele origin: germline. Affected: yes. Observed: 2 variant alleles.
Comment: SLC12A3: PM1, PM2, PM3

Fulgent Genetics
Classification: Likely pathogenic for Familial hypokalemia-hypomagnesemia. Last evaluated: 2024-04-15. Review status: criteria provided, single submitter. Criteria: ACMG Guidelines, 2015. Collection method: clinical testing. Allele origin: germline.

Ambry Genetics
Classification: Uncertain significance for Inborn genetic diseases. Last evaluated: 2022-06-17. Review status: criteria provided, single submitter. Criteria: Ambry Variant Classification Scheme 2023. Collection method: clinical testing. Allele origin: germline.

Blueprint Genetics
Classification: Uncertain significance. Last evaluated: 2020-06-11. Review status: criteria provided, single submitter. Criteria: ACMG Guidelines, 2015. Collection method: clinical testing. Allele origin: germline.

Literature cited by the submitters: PubMed 17654016 (cited by Ambry Genetics).

NM_001126108.2(SLC12A3):c.689G>A (p.Gly230Asp)

Gene: SLC12A3 (solute carrier family 12 member 3; plus strand). Cytogenetic location: 16q13.
Variant type: single nucleotide variant.
Coding change: c.689G>A on transcript NM_001126108.2 (MANE Select); coding-DNA position 689, G replaced by A.
Protein change: p.Gly230Asp; replaces glycine 230 with aspartic acid.
Molecular consequence: missense variant.
Genome position (GRCh38, 1-based): chr16:56,870,183, G>A. VCF-style: chr16-56870183-G-A. GRCh37 (hg19) VCF-style: chr16-56904095-G-A.
Other names: c.689G>A, p.Gly230Asp (NM_000339.3); c.686G>A, p.Gly229Asp (NM_001126107.2, NM_001410896.1); short protein forms G230D, G229D.
Identifiers: ClinVar variation 3162844 (VCV003162844.8), dbSNP rs375990084, ClinGen allele CA8069149.